The following is an entry in ClinVar:

NM_198076.6(COX20):c.*18_*19insAAGAA

Gene: COX20 (cytochrome c oxidase assembly factor COX20; plus strand). Cytogenetic location: 1q44.
Variant type: Insertion.
Coding change: c.*18_*19insAAGAA on transcript NM_198076.6 (MANE Select); 18 bases downstream of the stop codon through 19 bases downstream of the stop codon, AAGAA inserted.
Molecular consequence: 3 prime UTR variant. On other transcripts: non-coding transcript variant (3).
Genome position: GRCh38 VCF-style: chr1-244843190-T-TAGAAA. GRCh37 (hg19) VCF-style: chr1-245006492-T-TAGAAA.
Other names: c.*18_*19insAAGAA (NM_001312871.1, NM_001312872.1, NM_001312873.1); c.*185_*186insAAGAA (NM_001312874.1).
Identifiers: ClinVar variation 214268 (VCV000214268.4), dbSNP rs59190751, ClinGen allele CA324284.
Genomic context (GRCh38, chr1:244,843,190, plus strand): 5'-CCCACCTCGATCCTGAAAGAAAACACAACGGCAGCAGCAGCAATTGAACAATCTTGAGCA[T>TAGAAA]AGAAGTCAATGTAAACGAAGTTAAGATCAACCACATAAAACATTTCATGTGCAATAAGCT-3'

ClinVar aggregate classification (germline): Benign/Likely benign. Review status: criteria provided, multiple submitters, no conflicts (2 of 4 stars). 3 submissions from 2 submitters: Benign (1); Likely benign (1). 1 of the submissions does not count toward it. Last evaluated 2024-11-26.

Submissions (3):

Blueprint Genetics
Classification: Likely benign. Last evaluated: 2024-11-26. Review status: criteria provided, single submitter. Criteria: ACMG Guidelines, 2015. Collection method: clinical testing. Allele origin: germline.

GeneDx
Classification: Benign. Last evaluated: 2017-11-30. Review status: criteria provided, single submitter. Criteria: GeneDx Variant Classification Process June 2021. Collection method: clinical testing. Allele origin: germline. Affected: yes.

GeneDx
Classification: Benign. Last evaluated: 2013-09-05. Review status: flagged submission. Criteria: GeneDx Variant Classification (06012015). Collection method: clinical testing. Allele origin: germline. Affected: yes. Not counted in ClinVar's aggregate classification.
Comment: The variant is found in MITONUC-MITOP panel(s).
ClinVar note: Reason: This record appears to be redundant with a more recent record from the same submitter.
ClinVar note: Notes: SCV000251306 appears to be redundant with SCV000564910.